The following is an entry in ClinVar:

ClinVar aggregate classification (germline): Likely pathogenic (1 of 4 stars; one submission).

Submission:

CeGaT Center for Human Genetics Tuebingen
Classification: Likely pathogenic. Last evaluated: 2024-07-01. Review status: criteria provided, single submitter. Criteria: CeGaT Center For Human Genetics Tuebingen Variant Classification Criteria Version 2. Collection method: clinical testing. Allele origin: germline. Affected: yes. Observed: 1 variant allele.
Comment: TBR1: PM1, PM2, PS2:Moderate, PP2, PP3

NM_006593.4(TBR1):c.792G>C (p.Trp264Cys)

Gene: TBR1 (T-box brain transcription factor 1; plus strand). Cytogenetic location: 2q24.2.
Variant type: single nucleotide variant.
Coding change: c.792G>C on transcript NM_006593.4 (MANE Select); coding-DNA position 792, G replaced by C.
Protein change: p.Trp264Cys; replaces tryptophan 264 with cysteine.
Molecular consequence: missense variant.
Genome position (GRCh38, 1-based): chr2:161,417,775, G>C. VCF-style: chr2-161417775-G-C. GRCh37 (hg19) VCF-style: chr2-162274286-G-C.
Other names: short protein forms W264C.
Identifiers: ClinVar variation 3257522 (VCV003257522.17).